The following is an entry in ClinVar:

NM_006623.4(PHGDH):c.1078+10G>A

Gene: PHGDH (phosphoglycerate dehydrogenase; plus strand). Cytogenetic location: 1p12.
Variant type: single nucleotide variant.
Coding change: c.1078+10G>A on transcript NM_006623.4 (MANE Select); 10 bases into the intron after coding-DNA position 1078, G replaced by A.
Molecular consequence: intron variant.
Genome position (GRCh38, 1-based): chr1:119,740,528, G>A. VCF-style: chr1-119740528-G-A. GRCh37 (hg19) VCF-style: chr1-120283151-G-A.
Other names: c.1078+10G>A (NM_006623.3).
Identifiers: ClinVar variation 2729621 (VCV002729621.5), dbSNP rs374994783, ClinGen allele CA1037344.
Genomic context (GRCh38, chr1:119,740,528, plus strand): 5'-TGCGAGCCTGGGCTGGGTCCCCCAAAGGGACCATCCAGGTGATAACACAGGGTGAGCTGG[G>A]GACCTTGCAGAGGGAGGGGGAGGAGGGGATGAGGGAGTGTGGGATCTGCCCTGCTGGGTG-3'

ClinVar aggregate classification (germline): Likely benign. Review status: criteria provided, single submitter (1 of 4 stars). 2 submissions from 2 submitters: Likely benign (1). 1 of the submissions does not count toward it. Last evaluated 2023-02-16.

Conditions:
PHGDH-related disorder. Also called: PHGDH-related condition.
PHGDH deficiency. Identifiers: Orphanet 79351, MedGen C1866174, MONDO:0011152, OMIM 601815.

Submissions (2):

Labcorp Genetics (formerly Invitae), Labcorp
Classification: Likely benign for PHGDH deficiency. Last evaluated: 2023-02-16. Review status: criteria provided, single submitter. Criteria: Invitae Variant Classification Sherloc (09022015). Collection method: clinical testing. Allele origin: germline.

PreventionGenetics, part of Exact Sciences
Classification: Likely benign for PHGDH-related condition. Last evaluated: 2023-09-15. Review status: no assertion criteria provided. Collection method: clinical testing. Allele origin: germline. Not counted in ClinVar's aggregate classification.
Comment: This variant is classified as likely benign based on ACMG/AMP sequence variant interpretation guidelines (Richards et al. 2015 PMID: 25741868, with internal and published modifications).